The following is an entry in ClinVar:

NM_005076.5(CNTN2):c.190C>T (p.Arg64Trp)

Gene: CNTN2 (contactin 2; plus strand). Cytogenetic location: 1q32.1.
Variant type: single nucleotide variant.
Coding change: c.190C>T on transcript NM_005076.5 (MANE Select); coding-DNA position 190, C replaced by T.
Protein change: p.Arg64Trp; replaces arginine 64 with tryptophan.
Molecular consequence: missense variant. On other transcripts: non-coding transcript variant (1).
Genome position (GRCh38, 1-based): chr1:205,058,040, C>T. VCF-style: chr1-205058040-C-T. GRCh37 (hg19) VCF-style: chr1-205027168-C-T.
Other names: c.190C>T (NM_005076.3); c.190C>T, p.Arg64Trp (NM_001346083.2); short protein forms R64W.
Identifiers: ClinVar variation 1994929 (VCV001994929.3), dbSNP rs924467351, ClinGen allele CA36428387.

ClinVar aggregate classification (germline): Uncertain significance. Review status: criteria provided, multiple submitters, no conflicts (2 of 4 stars). 2 submissions from 2 submitters: Uncertain significance (2). Last evaluated 2025-09-24.

Conditions:
Epilepsy, familial adult myoclonic, 5 (EPEO5). Also called: CORTICAL MYOCLONIC TREMOR WITH EPILEPSY, FAMILIAL, 5. Identifiers: Orphanet 86814, MedGen C3809374, MONDO:0014167, OMIM 615400.

Allele frequency attached by ClinVar (database versions not stated): TOPMed below 0.00001; gnomAD exomes 0.00001.
gnomAD v4.1: 18 of 1,613,504 alleles (0.0011%); highest among the groups gnomAD compares: East Asian, 0.0022%; no homozygotes.

Submissions (2):

Labcorp Genetics (formerly Invitae), Labcorp
Classification: Uncertain significance for Epilepsy, familial adult myoclonic, 5. Last evaluated: 2025-09-24. Review status: criteria provided, single submitter. Criteria: Invitae Variant Classification Sherloc (09022015). Collection method: clinical testing. Allele origin: germline.
Comment: This sequence change replaces arginine, which is basic and polar, with tryptophan, which is neutral and slightly polar, at codon 64 of the CNTN2 protein (p.Arg64Trp). This variant is present in population databases (no rsID available, gnomAD 0.003%). This variant has not been reported in the literature in individuals affected with CNTN2-related conditions. ClinVar contains an entry for this variant (Variation ID: 1994929). Invitae Evidence Modeling of protein sequence and biophysical properties (such as structural, functional, and spatial information, amino acid conservation, physicochemical variation, residue mobility, and thermodynamic stability) indicates that this missense variant is not expected to disrupt CNTN2 protein function with a negative predictive value of 95%. In summary, the available evidence is currently insufficient to determine the role of this variant in disease. Therefore, it has been classified as a Variant of Uncertain Significance.

Ambry Genetics
Classification: Uncertain significance. Last evaluated: 2025-08-01. Review status: criteria provided, single submitter. Criteria: Ambry Variant Classification Scheme 2023. Collection method: clinical testing. Allele origin: germline.